The following is an entry in ClinVar:

NM_017841.4(SDHAF2):c.277C>T (p.His93Tyr)

Gene: SDHAF2 (succinate dehydrogenase complex assembly factor 2; plus strand). Cytogenetic location: 11q12.2.
Variant type: single nucleotide variant.
Coding change: c.277C>T on transcript NM_017841.4 (MANE Select); coding-DNA position 277, C replaced by T.
Protein change: p.His93Tyr; replaces histidine 93 with tyrosine.
Molecular consequence: missense variant.
Genome position (GRCh38, 1-based): chr11:61,438,020, C>T. VCF-style: chr11-61438020-C-T. GRCh37 (hg19) VCF-style: chr11-61205492-C-T.
Other names: short protein forms H93Y.
Identifiers: ClinVar variation 2447495 (VCV002447495.5), dbSNP rs1590765063, ClinGen allele CA380684046.
Genomic context (GRCh38, chr11:61,438,020, plus strand): 5'-CAGCCTTCTCAACCTCTTTTTCTTTTTTTCTTTCTTGTTTTTAGTCTTTTTGCTAAAGAA[C>T]ATCTGCAGCACATGACAGAAAAGCAGCTGAACCTCTATGACCGCCTGATTAACGAGCCTA-3'
Protein context (NP_060311.1, residues 83-103): CILLSLFAKE[His93Tyr]LQHMTEKQLN

ClinVar aggregate classification (germline): Conflicting classifications of pathogenicity. Review status: criteria provided, conflicting classifications (1 of 4 stars). 2 submissions from 2 submitters: Uncertain significance (1); Likely benign (1). Last evaluated 2024-11-24.

Conditions:
Hereditary cancer-predisposing syndrome. Also called: Neoplastic Syndromes, Hereditary; Tumor predisposition; Hereditary Cancer Syndrome; Hereditary neoplastic syndrome. Identifiers: Orphanet 140162, MedGen C0027672, MeSH D009386, MONDO:0015356.
Hereditary pheochromocytoma and paraganglioma. Also called: Hereditary paragangliomas and pheochromocytomas; Hereditary Paraganglioma-Pheochromocytoma Syndromes; Hereditary pheochromocytoma-paraganglioma. Identifiers: Orphanet 29072, MedGen C4274332, MONDO:0017366.

Allele frequency attached by ClinVar (database versions not stated): TOPMed below 0.00001.

Submissions (2):

Labcorp Genetics (formerly Invitae), Labcorp
Classification: Uncertain significance for Hereditary pheochromocytoma and paraganglioma. Last evaluated: 2024-11-24. Review status: criteria provided, single submitter. Criteria: Invitae Variant Classification Sherloc (09022015). Collection method: clinical testing. Allele origin: germline.
Comment: This sequence change replaces histidine, which is basic and polar, with tyrosine, which is neutral and polar, at codon 93 of the SDHAF2 protein (p.His93Tyr). This variant is not present in population databases (gnomAD no frequency). This variant has not been reported in the literature in individuals affected with SDHAF2-related conditions. ClinVar contains an entry for this variant (Variation ID: 2447495). An algorithm developed to predict the effect of missense changes on protein structure and function outputs the following: PolyPhen-2: "Benign". The tyrosine amino acid residue is found in multiple mammalian species, which suggests that this missense change does not adversely affect protein function. In summary, the available evidence is currently insufficient to determine the role of this variant in disease. Therefore, it has been classified as a Variant of Uncertain Significance.

Ambry Genetics
Classification: Likely benign for Hereditary cancer-predisposing syndrome. Last evaluated: 2022-11-25. Review status: criteria provided, single submitter. Criteria: Ambry Variant Classification Scheme 2023. Collection method: clinical testing. Allele origin: germline.